The following is an entry in ClinVar:

NM_012434.5(SLC17A5):c.137C>G (p.Ala46Gly)

Gene: SLC17A5 (solute carrier family 17 member 5; minus strand). Cytogenetic location: 6q13.
Variant type: single nucleotide variant.
Coding change: c.137C>G on transcript NM_012434.5 (MANE Select); coding-DNA position 137, C replaced by G.
Protein change: p.Ala46Gly; replaces alanine 46 with glycine.
Molecular consequence: missense variant. On other transcripts: intron variant (2).
Genome position (GRCh38, 1-based): chr6:73,644,561, G>C on the plus strand (C>G on the coding strand, the complement: SLC17A5 is on the minus strand). VCF-style: chr6-73644561-G-C. GRCh37 (hg19) VCF-style: chr6-74354284-G-C.
Other names: c.137C>G, p.Ala46Gly (NM_001382630.1, NM_001382632.1, NM_001382633.1 and 2 more transcripts); c.158C>G, p.Ala53Gly (NM_001382631.1); c.61-2637C>G (NM_001382636.1, NM_001382629.1); short protein forms A46G, A53G.
Identifiers: ClinVar variation 1360039 (VCV001360039.5), dbSNP rs371810705, ClinGen allele CA3890600.

ClinVar aggregate classification (germline): Uncertain significance (1 of 4 stars; one submission).

Conditions:
Salla disease (SD). Also called: Sialuria, Finnish type; N-acetylneuraminic acid (NANA) storage disease (NSD); Infantile sialic acid storage disorder (ISSD); Less Severe FSASD (Salla Disease). Identifiers: Orphanet 309334, Orphanet 834, MedGen C1096903, MONDO:0011449, OMIM 604369.

Allele frequency attached by ClinVar (database versions not stated): gnomAD 0.00001; gnomAD exomes 0.00004; ExAC 0.00006; ESP Exome Variant Server 0.00015.
gnomAD v4.1: 78 of 1,613,920 alleles (0.0048%); highest among the groups gnomAD compares: Non-Finnish European, 0.0059%; no homozygotes.

Submission:

Labcorp Genetics (formerly Invitae), Labcorp
Classification: Uncertain significance for Salla disease. Last evaluated: 2021-09-24. Review status: criteria provided, single submitter. Criteria: Invitae Variant Classification Sherloc (09022015). Collection method: clinical testing. Allele origin: germline.
Comment: This sequence change replaces alanine with glycine at codon 46 of the SLC17A5 protein (p.Ala46Gly). The alanine residue is moderately conserved and there is a small physicochemical difference between alanine and glycine. This variant is present in population databases (rs371810705, ExAC 0.01%). This variant has not been reported in the literature in individuals with SLC17A5-related disease. Algorithms developed to predict the effect of missense changes on protein structure and function (SIFT, PolyPhen-2, Align-GVGD) all suggest that this variant is likely to be tolerated, but these predictions have not been confirmed by published functional studies and their clinical significance is uncertain. In summary, the available evidence is currently insufficient to determine the role of this variant in disease. Therefore, it has been classified as a Variant of Uncertain Significance.